The following is an entry in ClinVar:

ClinVar aggregate classification (germline): Uncertain significance (1 of 4 stars; one submission).

Conditions:
Joubert syndrome. Also called: JOUBERT-BOLTSHAUSER SYNDROME; Familial aplasia of the vermis. Identifiers: Orphanet 475, MedGen C5979921, MONDO:0018772.
Meckel-Gruber syndrome. Also called: DYSENCEPHALIA SPLANCHNOCYSTICA; GRUBER SYNDROME; Dysencephalia splachnocystica. Identifiers: Orphanet 564, MedGen C0265215, MONDO:0018921.

Submission:

Labcorp Genetics (formerly Invitae), Labcorp
Classification: Uncertain significance for Joubert syndrome; Meckel-Gruber syndrome. Last evaluated: 2025-07-06. Review status: criteria provided, single submitter. Criteria: Invitae Variant Classification Sherloc (09022015). Collection method: clinical testing. Allele origin: germline.
Comment: This sequence change replaces isoleucine, which is neutral and non-polar, with methionine, which is neutral and non-polar, at codon 1347 of the CC2D2A protein (p.Ile1347Met). This variant is not present in population databases (gnomAD no frequency). This variant has not been reported in the literature in individuals affected with CC2D2A-related conditions. Invitae Evidence Modeling of protein sequence and biophysical properties (such as structural, functional, and spatial information, amino acid conservation, physicochemical variation, residue mobility, and thermodynamic stability) indicates that this missense variant is not expected to disrupt CC2D2A protein function with a negative predictive value of 95%. In summary, the available evidence is currently insufficient to determine the role of this variant in disease. Therefore, it has been classified as a Variant of Uncertain Significance.

NM_001378615.1(CC2D2A):c.4041C>G (p.Ile1347Met)

Genes: CC2D2A (coiled-coil and C2 domain containing 2A; plus strand), FBXL5 (F-box and leucine rich repeat protein 5; minus strand). Cytogenetic location: 4p15.32.
Variant type: single nucleotide variant.
Coding change: c.4041C>G on transcript NM_001378615.1 (MANE Select); coding-DNA position 4041, C replaced by G.
Protein change: p.Ile1347Met; replaces isoleucine 1347 with methionine.
Molecular consequence: missense variant.
Genome position (GRCh38, 1-based): chr4:15,586,222, C>G. VCF-style: chr4-15586222-C-G. GRCh37 (hg19) VCF-style: chr4-15587845-C-G.
Other names: c.4041C>G, p.Ile1347Met (NM_001080522.2); c.3894C>G, p.Ile1298Met (NM_001378617.1); short protein forms I1298M, I1347M.
Identifiers: ClinVar variation 4789747 (VCV004789747.1).